The following is an entry in ClinVar:

ClinVar aggregate classification (germline): Uncertain significance. Review status: criteria provided, multiple submitters, no conflicts (2 of 4 stars). 2 submissions from 2 submitters: Uncertain significance (2). Last evaluated 2024-06-26.

Conditions:
Inborn genetic diseases. Identifiers: MedGen C0950123, MeSH D030342.
Charcot-Marie-Tooth disease type 4. Also called: Charcot-Marie-Tooth, Type 4; Charcot-Marie-Tooth disease, type IV. Identifiers: Orphanet 64749, MedGen C4082197, MONDO:0018995.

Allele frequency attached by ClinVar (database versions not stated): TOPMed 0.00001.
gnomAD v4.1: 9 of 1,614,200 alleles (0.00056%); highest among the groups gnomAD compares: East Asian, 0.0022%; no homozygotes.

Submissions (2):

Ambry Genetics
Classification: Uncertain significance for Inborn genetic diseases. Last evaluated: 2024-06-26. Review status: criteria provided, single submitter. Criteria: Ambry Variant Classification Scheme 2023. Collection method: clinical testing. Allele origin: germline.

Labcorp Genetics (formerly Invitae), Labcorp
Classification: Uncertain significance for Charcot-Marie-Tooth disease type 4. Last evaluated: 2019-06-05. Review status: criteria provided, single submitter. Criteria: Invitae Variant Classification Sherloc (09022015). Collection method: clinical testing. Allele origin: germline.
Comment: In summary, the available evidence is currently insufficient to determine the role of this variant in disease. Therefore, it has been classified as a Variant of Uncertain Significance. This sequence change replaces isoleucine with valine at codon 1126 of the SBF2 protein (p.Ile1126Val). The isoleucine residue is moderately conserved and there is a small physicochemical difference between isoleucine and valine. This variant is not present in population databases (ExAC no frequency). This variant has not been reported in the literature in individuals with SBF2-related conditions. Algorithms developed to predict the effect of missense changes on protein structure and function (SIFT, PolyPhen-2, Align-GVGD) all suggest that this variant is likely to be tolerated, but these predictions have not been confirmed by published functional studies and their clinical significance is uncertain. Algorithms developed to predict the effect of sequence changes on RNA splicing suggest that this variant may create or strengthen a splice site, but this prediction has not been confirmed by published transcriptional studies.

NM_030962.4(SBF2):c.3376A>G (p.Ile1126Val)

Genes: SBF2 (SET binding factor 2; minus strand), LOC101928008 (uncharacterized LOC101928008; plus strand). Cytogenetic location: 11p15.4.
Variant type: single nucleotide variant.
Coding change: c.3376A>G on transcript NM_030962.4 (MANE Select); coding-DNA position 3376, A replaced by G.
Protein change: p.Ile1126Val; replaces isoleucine 1126 with valine.
Molecular consequence: missense variant.
Genome position (GRCh38, 1-based): chr11:9,839,577, T>C on the plus strand (A>G on the coding strand, the complement: SBF2 is on the minus strand). VCF-style: chr11-9839577-T-C. GRCh37 (hg19) VCF-style: chr11-9861124-T-C.
Other names: c.3376A>G, p.Ile1126Val (NM_001386339.1); c.3247A>G, p.Ile1083Val (NM_001386342.1); short protein forms I1126V, I1083V.
Identifiers: ClinVar variation 944474 (VCV000944474.11), dbSNP rs747669195, ClinGen allele CA217617348.